The following is an entry in ClinVar:

ClinVar aggregate classification (germline): Likely pathogenic (1 of 4 stars; one submission).

Conditions:
Bloom syndrome (BLM). Also called: Bloom-Torre-Machacek syndrome. Identifiers: Orphanet 125, MedGen C0005859, MONDO:0008876, OMIM 210900.

Submission:

Women's Health and Genetics/Laboratory Corporation of America, LabCorp
Classification: Likely pathogenic for Bloom syndrome. Last evaluated: 2023-04-11. Review status: criteria provided, single submitter. Criteria: LabCorp Variant Classification Summary - May 2015. Collection method: clinical testing. Allele origin: germline.
Comment: Variant summary: BLM c.2208_2212delinsGATTC (p.Tyr736X) results in a premature termination codon, predicted to cause a truncation of the encoded protein or absence of the protein due to nonsense mediated decay, which are commonly known mechanisms for disease. Truncations downstream of this position have been classified as pathogenic by our laboratory. The variant was absent in 249508 control chromosomes. To our knowledge, no occurrence of c.2208_2212delinsGATTC in individuals affected with Bloom Syndrome and no experimental evidence demonstrating its impact on protein function have been reported. No clinical diagnostic laboratories have submitted clinical-significance assessments for this variant to ClinVar after 2014. Based on the evidence outlined above, the variant was classified as likely pathogenic.

NM_000057.4(BLM):c.2208_2212delinsGATTC (p.Tyr736_Thr738delinsTer)

Gene: BLM (BLM RecQ like helicase; plus strand). Cytogenetic location: 15q26.1.
Variant type: Indel.
Coding change: c.2208_2212delinsGATTC on transcript NM_000057.4 (MANE Select); coding-DNA positions 2208 to 2212, TCTGA replaced by GATTC.
Protein change: p.Tyr736_Thr738delinsTer.
Molecular consequence: nonsense.
Genome position (GRCh38, 1-based): chr15:90,766,924-90,766,928, TCTGA replaced by GATTC. VCF-style: chr15-90766924-TCTGA-GATTC. GRCh37 (hg19) VCF-style: chr15-91310154-TCTGA-GATTC.
Other names: c.2208_2212delinsGATTC, p.Tyr736_Thr738delinsTer (NM_001287246.2, NM_001287247.2); c.1083_1087delinsGATTC, p.Tyr361_Thr363delinsTer (NM_001287248.2); c.2208_2212delinsGATTC (NM_000057.3); short protein forms Y736*.
Identifiers: ClinVar variation 2503995 (VCV002503995.1), dbSNP rs2505446577, ClinGen allele CA2580613321.